The following is an entry in ClinVar:

NM_001024630.4(RUNX2):c.556A>G (p.Arg186Gly)

Gene: RUNX2 (RUNX family transcription factor 2; plus strand). Cytogenetic location: 6p21.1.
Variant type: single nucleotide variant.
Coding change: c.556A>G on transcript NM_001024630.4 (MANE Select); coding-DNA position 556, A replaced by G.
Protein change: p.Arg186Gly; replaces arginine 186 with glycine.
Molecular consequence: missense variant.
Genome position (GRCh38, 1-based): chr6:45,431,995, A>G. VCF-style: chr6-45431995-A-G. GRCh37 (hg19) VCF-style: chr6-45399732-A-G.
Other names: c.556A>G, p.Arg186Gly (NM_001015051.4); c.514A>G, p.Arg172Gly (NM_001278478.2, NM_001369405.1, NM_004348.3); short protein forms R172G, R186G.
Identifiers: ClinVar variation 2854871 (VCV002854871.3), dbSNP rs2548589267, ClinGen allele CA363960397.

ClinVar aggregate classification (germline): Pathogenic (1 of 4 stars; one submission).

Submission:

Labcorp Genetics (formerly Invitae), Labcorp
Classification: Pathogenic. Last evaluated: 2023-05-23. Review status: criteria provided, single submitter. Criteria: Invitae Variant Classification Sherloc (09022015). Collection method: clinical testing. Allele origin: germline.
Comment: This variant is not present in population databases (gnomAD no frequency). This sequence change replaces arginine, which is basic and polar, with glycine, which is neutral and non-polar, at codon 186 of the RUNX2 protein (p.Arg186Gly). This missense change has been observed in individual(s) with cleidocranial dysplasia (Invitae). In at least one individual the variant was observed to be de novo. Advanced modeling of protein sequence and biophysical properties (such as structural, functional, and spatial information, amino acid conservation, physicochemical variation, residue mobility, and thermodynamic stability) performed at Invitae indicates that this missense variant is expected to disrupt RUNX2 protein function. This variant disrupts the p.Arg186 amino acid residue in RUNX2. Other variant(s) that disrupt this residue have been observed in individuals with RUNX2-related conditions (PMID: 28738062), which suggests that this may be a clinically significant amino acid residue. For these reasons, this variant has been classified as Pathogenic.

Literature cited by the submitters: PubMed 28738062.